The following is an entry in ClinVar:

ClinVar aggregate classification (germline): Conflicting classifications of pathogenicity. Review status: criteria provided, conflicting classifications (1 of 4 stars). 2 submissions from 2 submitters: Uncertain significance (1); Likely benign (1). Last evaluated 2026-01-01.

gnomAD v4.1: 12 of 1,156,233 alleles (0.001%); highest among the groups gnomAD compares: Middle Eastern, 0.023%; no homozygotes.

Submissions (2):

CeGaT Center for Human Genetics Tuebingen
Classification: Likely benign. Last evaluated: 2026-01-01. Review status: criteria provided, single submitter. Criteria: CeGaT Center For Human Genetics Tuebingen Variant Classification Criteria Version 2. Collection method: clinical testing. Allele origin: germline. Affected: yes. Observed: 1 variant allele.
Comment: RBMXL3: BP4, BS2

Ambry Genetics
Classification: Uncertain significance. Last evaluated: 2025-10-15. Review status: criteria provided, single submitter. Criteria: Ambry Variant Classification Scheme 2023. Collection method: clinical testing. Allele origin: germline.

NM_001145346.2(RBMXL3):c.815A>G (p.Tyr272Cys)

Genes: LRCH2 (leucine rich repeats and calponin homology domain containing 2; minus strand), RBMXL3 (RBMX like 3; plus strand). Cytogenetic location: Xq23.
Variant type: single nucleotide variant.
Coding change: c.815A>G on transcript NM_001145346.2 (MANE Select); coding-DNA position 815, A replaced by G.
Protein change: p.Tyr272Cys; replaces tyrosine 272 with cysteine.
Molecular consequence: missense variant. On other transcripts: intron variant (2).
Genome position (GRCh38, 1-based): chrX:115,190,256, A>G. VCF-style: chrX-115190256-A-G. GRCh37 (hg19) VCF-style: chrX-114424819-A-G.
Other names: c.350-1886T>C (NM_001243963.2, NM_020871.4); short protein forms Y272C.
Identifiers: ClinVar variation 4576679 (VCV004576679.5).